The following is an entry in ClinVar:

ClinVar aggregate classification (germline): Uncertain significance (1 of 4 stars; one submission).

Allele frequency attached by ClinVar (database versions not stated): ExAC 0.00001.

Submission:

Labcorp Genetics (formerly Invitae), Labcorp
Classification: Uncertain significance. Last evaluated: 2021-09-21. Review status: criteria provided, single submitter. Criteria: Invitae Variant Classification Sherloc (09022015). Collection method: clinical testing. Allele origin: germline.
Comment: This variant is present in population databases (rs751179061, ExAC 0.001%). This sequence change replaces valine with glycine at codon 655 of the CAD protein (p.Val655Gly). The valine residue is highly conserved and there is a moderate physicochemical difference between valine and glycine. This variant has not been reported in the literature in individuals affected with CAD-related conditions. Algorithms developed to predict the effect of missense changes on protein structure and function are either unavailable or do not agree on the potential impact of this missense change (SIFT: "Deleterious"; PolyPhen-2: "Possibly Damaging"; Align-GVGD: "Class C0"). In summary, the available evidence is currently insufficient to determine the role of this variant in disease. Therefore, it has been classified as a Variant of Uncertain Significance.

NM_004341.5(CAD):c.1964T>G (p.Val655Gly)

Gene: CAD (carbamoyl-phosphate synthetase 2, aspartate transcarbamylase, and dihydroorotase; plus strand). Cytogenetic location: 2p23.3.
Variant type: single nucleotide variant.
Coding change: c.1964T>G on transcript NM_004341.5 (MANE Select); coding-DNA position 1964, T replaced by G.
Protein change: p.Val655Gly; replaces valine 655 with glycine.
Molecular consequence: missense variant. On other transcripts: intron variant (1).
Genome position (GRCh38, 1-based): chr2:27,226,252, T>G. VCF-style: chr2-27226252-T-G. GRCh37 (hg19) VCF-style: chr2-27449120-T-G.
Other names: c.1843-273T>G (NM_001306079.2); short protein forms V655G.
Identifiers: ClinVar variation 1518622 (VCV001518622.6), dbSNP rs751179061, ClinGen allele CA1572872.